The following is an entry in ClinVar:

ClinVar aggregate classification (germline): Likely benign (1 of 4 stars; one submission).

Submission:

CeGaT Center for Human Genetics Tuebingen
Classification: Likely benign. Last evaluated: 2026-08-01. Review status: criteria provided, single submitter. Criteria: CeGaT Center For Human Genetics Tuebingen Variant Classification Criteria Version 2. Collection method: clinical testing. Allele origin: germline. Affected: yes. Observed: 7 variant alleles.
Comment: PPFIA1: BP4, BP7

NM_003626.5(PPFIA1):c.2367T>C (p.Ser789=)

Gene: PPFIA1 (PPFI scaffold protein A1; plus strand). Cytogenetic location: 11q13.3.
Variant type: single nucleotide variant.
Coding change: c.2367T>C on transcript NM_003626.5 (MANE Select); coding-DNA position 2367, T replaced by C.
Protein change: p.Ser789=; no amino-acid change (serine 789 retained).
Molecular consequence: synonymous variant. On other transcripts: non-coding transcript variant (1).
Genome position (GRCh38, 1-based): chr11:70,355,690, T>C. VCF-style: chr11-70355690-T-C. GRCh37 (hg19) VCF-style: chr11-70201796-T-C.
Other names: c.2472T>C, p.Ser824= (NM_001378006.1); c.2367T>C, p.Ser789= (NM_177423.3).
Identifiers: ClinVar variation 2642061 (VCV002642061.24), dbSNP rs1433235640, ClinGen allele CA475244037.